The following is an entry in ClinVar:

NM_013254.4(TBK1):c.358+4T>C

Gene: TBK1 (TANK binding kinase 1; plus strand). Cytogenetic location: 12q14.2.
Variant type: single nucleotide variant.
Coding change: c.358+4T>C on transcript NM_013254.4 (MANE Select); 4 bases into the intron after coding-DNA position 358, T replaced by C.
Molecular consequence: intron variant.
Genome position (GRCh38, 1-based): chr12:64,464,467, T>C. VCF-style: chr12-64464467-T-C. GRCh37 (hg19) VCF-style: chr12-64858247-T-C.
Other names: c.358+4T>C (NM_013254.3).
Identifiers: ClinVar variation 2076132 (VCV002076132.6), dbSNP rs530405402, ClinGen allele CA6668772.

ClinVar aggregate classification (germline): Likely benign. Review status: criteria provided, single submitter (1 of 4 stars). 2 submissions from 2 submitters: Likely benign (1). 1 of the submissions does not count toward it. Last evaluated 2024-07-24.

Conditions:
TBK1-related disorder. Also called: TBK1-related condition.
Frontotemporal dementia and/or amyotrophic lateral sclerosis 4. Also called: FTDALS4. Identifiers: Orphanet 275872, MedGen C4225325, MONDO:0014641, OMIM 616439.

Allele frequency attached by ClinVar (database versions not stated): gnomAD exomes 0.00005; gnomAD 0.00003; TOPMed 0.00003; ExAC 0.00023; 1000 Genomes Project 30x 0.00078; 1000 Genomes Project 0.00100.
gnomAD v4.1: 74 of 1,564,518 alleles (0.0047%); highest among the groups gnomAD compares: South Asian, 0.074%; no homozygotes.

Submissions (2):

Labcorp Genetics (formerly Invitae), Labcorp
Classification: Likely benign for Frontotemporal dementia and/or amyotrophic lateral sclerosis 4. Last evaluated: 2024-07-24. Review status: criteria provided, single submitter. Criteria: Invitae Variant Classification Sherloc (09022015). Collection method: clinical testing. Allele origin: germline.

PreventionGenetics, part of Exact Sciences
Classification: Likely benign for TBK1-related condition. Last evaluated: 2019-05-30. Review status: no assertion criteria provided. Collection method: clinical testing. Allele origin: germline. Not counted in ClinVar's aggregate classification.
Comment: This variant is classified as likely benign based on ACMG/AMP sequence variant interpretation guidelines (Richards et al. 2015 PMID: 25741868, with internal and published modifications).